The following is an entry in ClinVar:

NM_000400.4(ERCC2):c.745G>A (p.Val249Ile)

Gene: ERCC2 (ERCC excision repair 2, TFIIH core complex helicase subunit; minus strand). Cytogenetic location: 19q13.32.
Variant type: single nucleotide variant.
Coding change: c.745G>A on transcript NM_000400.4 (MANE Select); coding-DNA position 745, G replaced by A.
Protein change: p.Val249Ile; replaces valine 249 with isoleucine.
Molecular consequence: missense variant.
Genome position (GRCh38, 1-based): chr19:45,364,305, C>T on the plus strand (G>A on the coding strand, the complement: ERCC2 is on the minus strand). VCF-style: chr19-45364305-C-T. GRCh37 (hg19) VCF-style: chr19-45867563-C-T.
Other names: c.673G>A, p.Val225Ile (NM_001130867.2); short protein forms V225I, V249I.
Identifiers: ClinVar variation 1306908 (VCV001306908.4), dbSNP rs751503197, ClinGen allele CA9513643.

ClinVar aggregate classification (germline): Uncertain significance. Review status: criteria provided, multiple submitters, no conflicts (2 of 4 stars). 2 submissions from 2 submitters: Uncertain significance (2). Last evaluated 2022-08-09.

Allele frequency attached by ClinVar (database versions not stated): TOPMed 0.00004; ExAC 0.00005; gnomAD exomes 0.00006; gnomAD 0.00003.
gnomAD v4.1: 27 of 1,613,898 alleles (0.0017%); highest among the groups gnomAD compares: Admixed American, 0.018%; no homozygotes.

Submissions (2):

Labcorp Genetics (formerly Invitae), Labcorp
Classification: Uncertain significance. Last evaluated: 2022-08-09. Review status: criteria provided, single submitter. Criteria: Invitae Variant Classification Sherloc (09022015). Collection method: clinical testing. Allele origin: germline.
Comment: This sequence change replaces valine, which is neutral and non-polar, with isoleucine, which is neutral and non-polar, at codon 249 of the ERCC2 protein (p.Val249Ile). This variant is present in population databases (rs751503197, gnomAD 0.02%). This variant has not been reported in the literature in individuals affected with ERCC2-related conditions. ClinVar contains an entry for this variant (Variation ID: 1306908). Algorithms developed to predict the effect of missense changes on protein structure and function (SIFT, PolyPhen-2, Align-GVGD) all suggest that this variant is likely to be tolerated. In summary, the available evidence is currently insufficient to determine the role of this variant in disease. Therefore, it has been classified as a Variant of Uncertain Significance.

GeneDx
Classification: Uncertain significance. Last evaluated: 2019-07-10. Review status: criteria provided, single submitter. Criteria: GeneDx Variant Classification Process June 2021. Collection method: clinical testing. Allele origin: germline. Affected: yes.
Comment: In silico analysis, which includes protein predictors and evolutionary conservation, supports that this variant does not alter protein structure/function; This variant is associated with the following publications: (PMID: 29684080)